The following is an entry in ClinVar:

NM_000038.6(APC):c.792A>G (p.Gln264=)

Gene: APC (APC regulator of Wnt signaling pathway; plus strand). Cytogenetic location: 5q22.2.
Variant type: single nucleotide variant.
Coding change: c.792A>G on transcript NM_000038.6 (MANE Select); coding-DNA position 792, A replaced by G.
Protein change: p.Gln264=; no amino-acid change (glutamine 264 retained).
Molecular consequence: synonymous variant. On other transcripts: 5 prime UTR variant (1).
Genome position (GRCh38, 1-based): chr5:112,801,341, A>G. VCF-style: chr5-112801341-A-G. GRCh37 (hg19) VCF-style: chr5-112137038-A-G.
Other names: c.792A>G, p.Gln264= (NM_001127510.3, NM_001354895.2, NM_001354896.2 and 1 more transcripts); c.738A>G, p.Gln246= (NM_001127511.3); c.822A>G, p.Gln274= (NM_001354897.2, NM_001354902.2); c.717A>G, p.Gln239= (NM_001354898.2, NM_001354904.2); c.708A>G, p.Gln236= (NM_001354899.2); c.615A>G, p.Gln205= (NM_001354900.2, NM_001354901.2, NM_001354905.2); c.-244A>G (NM_001354906.2).
Identifiers: ClinVar variation 215572 (VCV000215572.18), dbSNP rs863224288, ClinGen allele CA335843.

ClinVar aggregate classification (germline): Benign/Likely benign. Review status: criteria provided, multiple submitters, no conflicts (2 of 4 stars). 5 submissions from 5 submitters: Benign (1); Likely benign (4). Last evaluated 2025-11-17.

Conditions:
Hereditary cancer-predisposing syndrome. Also called: Hereditary neoplastic syndrome; Neoplastic Syndromes, Hereditary; Tumor predisposition; Hereditary Cancer Syndrome. Identifiers: Orphanet 140162, MedGen C0027672, MeSH D009386, MONDO:0015356.
Familial adenomatous polyposis 1 (FAP1). Also called: POLYPOSIS, ADENOMATOUS INTESTINAL; FAMILIAL ADENOMATOUS POLYPOSIS 1, ATTENUATED. Identifiers: MedGen C2713442, MONDO:0021056, OMIM 175100. Disease mechanism: loss of function.
Classic or attenuated familial adenomatous polyposis. Identifiers: MedGen CN372698, MONDO:0021057.

Allele frequency attached by ClinVar (database versions not stated): TOPMed below 0.00001; gnomAD exomes 0.00001; gnomAD 0.00003.
gnomAD v4.1: 4 of 1,612,794 alleles (0.00025%); highest among the groups gnomAD compares: East Asian, 0.0022%; no homozygotes.

Submissions (5):

Labcorp Genetics (formerly Invitae), Labcorp
Classification: Likely benign for Familial adenomatous polyposis 1. Last evaluated: 2025-11-17. Review status: criteria provided, single submitter. Criteria: Invitae Variant Classification Sherloc (09022015). Collection method: clinical testing. Allele origin: germline.

Myriad Genetics, Inc.
Classification: Benign for Familial adenomatous polyposis 1. Last evaluated: 2024-02-27. Review status: criteria provided, single submitter. Criteria: Myriad Autosomal Dominant, Autosomal Recessive and X-Linked Classification Criteria (2023). Collection method: clinical testing. Allele origin: unknown.
Comment: This variant is considered benign. This variant is a silent/synonymous amino acid change and it is not expected to impact splicing.

All of Us Research Program, National Institutes of Health
Classification: Likely benign for Classic or attenuated familial adenomatous polyposis. Last evaluated: 2023-12-18. Review status: criteria provided, single submitter. Criteria: ACMG Guidelines, 2015. Collection method: clinical testing. Allele origin: germline. Inheritance: Autosomal dominant inheritance. Observed: 1 variant allele, 1 heterozygote.
Comment: This study involves interpretation of variants in research participants for the purpose of population health screening. Participant phenotype was not available at the time of variant classification. Additional details can be found in publication PMID: 35346344, PMCID: PMC8962531

Ambry Genetics
Classification: Likely benign for Hereditary cancer-predisposing syndrome. Last evaluated: 2021-06-18. Review status: criteria provided, single submitter. Criteria: Ambry Variant Classification Scheme 2023. Collection method: clinical testing. Allele origin: germline.

Color Diagnostics, LLC DBA Color Health
Classification: Likely benign for Hereditary cancer-predisposing syndrome. Last evaluated: 2019-01-08. Review status: criteria provided, single submitter. Criteria: ACMG Guidelines, 2015. Collection method: clinical testing. Allele origin: germline.